The following is an entry in ClinVar:

ClinVar aggregate classification (germline): Pathogenic (1 of 4 stars; one submission).

Conditions:
Pulmonary fibrosis and/or bone marrow failure, Telomere-related, 3. Also called: PULMONARY FIBROSIS AND/OR BONE MARROW FAILURE SYNDROME, TELOMERE-RELATED, 3. Identifiers: Orphanet 2032, MedGen C4225346, MONDO:0014613, OMIM 616373.
Dyskeratosis congenita, autosomal recessive 5 (DKCB5). Identifiers: MedGen C3554656, MONDO:0014076, OMIM 615190.

Submission:

Labcorp Genetics (formerly Invitae), Labcorp
Classification: Pathogenic for Dyskeratosis congenita, autosomal recessive 5; Pulmonary fibrosis and/or bone marrow failure, Telomere-related, 3. Last evaluated: 2021-06-18. Review status: criteria provided, single submitter. Criteria: Invitae Variant Classification Sherloc (09022015). Collection method: clinical testing. Allele origin: germline.
Comment: For these reasons, this variant has been classified as Pathogenic. This variant has not been reported in the literature in individuals with RTEL1-related conditions. This variant is not present in population databases (ExAC no frequency). This sequence change creates a premature translational stop signal (p.Gln747*) in the RTEL1 gene. It is expected to result in an absent or disrupted protein product. Loss-of-function variants in RTEL1 are known to be pathogenic (PMID: 23453664, 23959892, 25607374).

Literature cited by the submitters: PubMed 23453664; PubMed 23959892; PubMed 25607374.

NM_001283009.2(RTEL1):c.2239C>T (p.Gln747Ter)

Genes: RTEL1 (regulator of telomere elongation helicase 1; plus strand), RTEL1-TNFRSF6B (RTEL1-TNFRSF6B readthrough (NMD candidate); plus strand). Cytogenetic location: 20q13.33.
Variant type: single nucleotide variant.
Coding change: c.2239C>T on transcript NM_001283009.2 (MANE Select); coding-DNA position 2239, C replaced by T.
Protein change: p.Gln747Ter; replaces glutamine 747 with a stop codon.
Molecular consequence: nonsense. On other transcripts: non-coding transcript variant (1).
Genome position (GRCh38, 1-based): chr20:63,690,184, C>T. VCF-style: chr20-63690184-C-T. GRCh37 (hg19) VCF-style: chr20-62321537-C-T.
Other names: c.1570C>T, p.Gln524Ter (NM_001283010.1); c.2239C>T, p.Gln747Ter (NM_016434.4); c.2311C>T, p.Gln771Ter (NM_032957.5); short protein forms Q747*, Q771*, Q524*.
Identifiers: ClinVar variation 1452400 (VCV001452400.6), dbSNP rs2145430921, ClinGen allele CA409679973.